The following is an entry in ClinVar:

NM_002878.4(RAD51D):c.725G>T (p.Gly242Val)

Genes: RAD51D (RAD51 paralog D; minus strand), RAD51L3-RFFL (RAD51L3-RFFL readthrough; minus strand). Cytogenetic location: 17q12.
Variant type: single nucleotide variant.
Coding change: c.725G>T on transcript NM_002878.4 (MANE Select); coding-DNA position 725, G replaced by T.
Protein change: p.Gly242Val; replaces glycine 242 with valine.
Molecular consequence: missense variant. On other transcripts: non-coding transcript variant (3).
Genome position (GRCh38, 1-based): chr17:35,103,267, C>A on the plus strand (G>T on the coding strand, the complement: RAD51D is on the minus strand). VCF-style: chr17-35103267-C-A. GRCh37 (hg19) VCF-style: chr17-33430286-C-A.
Other names: c.785G>T, p.Gly262Val (NM_001142571.2); c.389G>T, p.Gly130Val (NM_133629.3); short protein forms G242V, G262V, G130V.
Identifiers: ClinVar variation 230770 (VCV000230770.6), dbSNP rs876658760, ClinGen allele CA10580446.

ClinVar aggregate classification (germline): Uncertain significance. Review status: criteria provided, multiple submitters, no conflicts (2 of 4 stars). 2 submissions from 2 submitters: Uncertain significance (2). Last evaluated 2024-01-02.

Conditions:
Hereditary cancer-predisposing syndrome. Also called: Neoplastic Syndromes, Hereditary; Tumor predisposition; Hereditary Cancer Syndrome; Hereditary neoplastic syndrome. Identifiers: Orphanet 140162, MedGen C0027672, MeSH D009386, MONDO:0015356.
Breast-ovarian cancer, familial, susceptibility to, 4. Identifiers: Orphanet 145, MedGen C3280345, MONDO:0013669, OMIM 614291.

Submissions (2):

Baylor Genetics
Classification: Uncertain significance for Breast-ovarian cancer, familial, susceptibility to, 4. Last evaluated: 2024-01-02. Review status: criteria provided, single submitter. Criteria: ACMG Guidelines, 2015. Collection method: clinical testing. Allele origin: unknown.

Ambry Genetics
Classification: Uncertain significance for Hereditary cancer-predisposing syndrome. Last evaluated: 2022-06-10. Review status: criteria provided, single submitter. Criteria: Ambry Variant Classification Scheme 2023. Collection method: clinical testing. Allele origin: germline.
Comment: The p.G242V variant (also known as c.725G>T), located in coding exon 8 of the RAD51D gene, results from a G to T substitution at nucleotide position 725. The glycine at codon 242 is replaced by valine, an amino acid with dissimilar properties. This amino acid position is not well conserved in available vertebrate species. In addition, the in silico prediction for this alteration is inconclusive. Since supporting evidence is limited at this time, the clinical significance of this alteration remains unclear.